The following is an entry in ClinVar:

NM_198173.3(GRHL3):c.1299C>A (p.Cys433Ter)

Gene: GRHL3 (grainyhead like transcription factor 3; plus strand). Cytogenetic location: 1p36.11.
Variant type: single nucleotide variant.
Coding change: c.1299C>A on transcript NM_198173.3 (MANE Select); coding-DNA position 1299, C replaced by A.
Protein change: p.Cys433Ter; replaces cysteine 433 with a stop codon.
Molecular consequence: nonsense.
Genome position (GRCh38, 1-based): chr1:24,342,905, C>A. VCF-style: chr1-24342905-C-A. GRCh37 (hg19) VCF-style: chr1-24669395-C-A.
Other names: c.1161C>A, p.Cys387Ter (NM_001195010.2); c.1314C>A, p.Cys438Ter (NM_021180.4); c.1299C>A, p.Cys433Ter (NM_198174.3); short protein forms C438*, C387*, C433*.
Identifiers: ClinVar variation 4994045 (VCV004994045.1).

ClinVar aggregate classification (germline): Likely pathogenic (1 of 4 stars; one submission).

Conditions:
GRHL3-related disorder. Also called: GRHL3-related condition.

Submission:

PreventionGenetics, part of Exact Sciences
Classification: Likely pathogenic for GRHL3-related condition. Last evaluated: 2026-08-18. Review status: criteria provided, single submitter. Criteria: ACMG Guidelines, 2015. Collection method: clinical testing. Allele origin: germline.
Comment: The GRHL3 c.1299C>A variant is predicted to result in premature protein termination (p.Cys433*). To our knowledge, this variant has not been reported in the literature or in a large population database (gnomAD), indicating this variant is rare. Nonsense variants in GRHL3 are expected to be pathogenic. This variant is interpreted as likely pathogenic.